The following is an entry in ClinVar:

ClinVar aggregate classification (germline): Conflicting classifications of pathogenicity. Review status: criteria provided, conflicting classifications (1 of 4 stars). 4 submissions from 4 submitters: Uncertain significance (1); Likely benign (3). Last evaluated 2026-04-25.

Conditions:
DBH-related disorder. Also called: DBH-related condition.
Orthostatic hypotension 1 (ORTHYP1). Also called: Dopamine beta-hydroxylase deficiency; Orthostatic hypotension 1, due to DBH deficiency; NORADRENALINE DEFICIENCY; NOREPINEPHRINE DEFICIENCY. Identifiers: Orphanet 230, MedGen C4746777, MONDO:0009123, OMIM 223360.
Inborn genetic diseases. Identifiers: MedGen C0950123, MeSH D030342.

Allele frequency attached by ClinVar (database versions not stated): gnomAD exomes 0.00014 and 0.00028; gnomAD 0.00015 and 0.00017; TOPMed 0.00020; ESP Exome Variant Server 0.00023; ExAC 0.00031.
gnomAD v4.1: 247 of 1,611,796 alleles (0.015%); highest among the groups gnomAD compares: Admixed American, 0.02%; no homozygotes.

Submissions (4):

PreventionGenetics, part of Exact Sciences
Classification: Likely benign for DBH-related condition. Last evaluated: 2026-04-25. Review status: criteria provided, single submitter. Criteria: ACMG Guidelines, 2015. Collection method: clinical testing. Allele origin: germline.
Comment: This variant is classified as likely benign based on ACMG/AMP sequence variant interpretation guidelines (Richards et al. 2015 PMID: 25741868, with internal and published modifications).

Labcorp Genetics (formerly Invitae), Labcorp
Classification: Likely benign for Orthostatic hypotension 1. Last evaluated: 2026-01-19. Review status: criteria provided, single submitter. Criteria: Invitae Variant Classification Sherloc (09022015). Collection method: clinical testing. Allele origin: germline.

Ambry Genetics
Classification: Likely benign for Inborn genetic diseases. Last evaluated: 2022-03-10. Review status: criteria provided, single submitter. Criteria: Ambry Variant Classification Scheme 2023. Collection method: clinical testing. Allele origin: germline.

Illumina Laboratory Services, Illumina
Classification: Uncertain significance for Orthostatic hypotension 1. Last evaluated: 2018-01-12. Review status: criteria provided, single submitter. Criteria: ICSL Variant Classification Criteria 13 December 2019. Collection method: clinical testing. Allele origin: germline.

NM_000787.4(DBH):c.1840G>A (p.Gly614Arg)

Gene: DBH (dopamine beta-hydroxylase; plus strand). Cytogenetic location: 9q34.2.
Variant type: single nucleotide variant.
Coding change: c.1840G>A on transcript NM_000787.4 (MANE Select); coding-DNA position 1840, G replaced by A.
Protein change: p.Gly614Arg; replaces glycine 614 with arginine.
Molecular consequence: missense variant.
Genome position (GRCh38, 1-based): chr9:133,658,433, G>A. VCF-style: chr9-133658433-G-A. GRCh37 (hg19) VCF-style: chr9-136523555-G-A.
Other names: short protein forms G614R.
Identifiers: ClinVar variation 365677 (VCV000365677.15), dbSNP rs76316834, ClinGen allele CA5313730.